The following is an entry in ClinVar:

NM_001256864.2(DNAJC6):c.2298G>A (p.Ser766=)

Gene: DNAJC6 (DnaJ heat shock protein family (Hsp40) member C6; plus strand). Cytogenetic location: 1p31.3.
Variant type: single nucleotide variant.
Coding change: c.2298G>A on transcript NM_001256864.2 (MANE Select); coding-DNA position 2298, G replaced by A.
Protein change: p.Ser766=; no amino-acid change (serine 766 retained).
Molecular consequence: synonymous variant.
Genome position (GRCh38, 1-based): chr1:65,405,940, G>A. VCF-style: chr1-65405940-G-A. GRCh37 (hg19) VCF-style: chr1-65871623-G-A.
Other names: c.2088G>A, p.Ser696= (NM_001256865.2); c.2127G>A, p.Ser709= (NM_014787.4).
Identifiers: ClinVar variation 745392 (VCV000745392.11), dbSNP rs540477402, ClinGen allele CA894137.

ClinVar aggregate classification (germline): Likely benign. Review status: criteria provided, multiple submitters, no conflicts (2 of 4 stars). 2 submissions from 2 submitters: Likely benign (2). Last evaluated 2026-04-01.

Conditions:
Juvenile onset Parkinson disease 19A. Also called: DNAJC6 Parkinson Disease; PARK19. Identifiers: Orphanet 391411, MedGen C3809811, MONDO:0014231, OMIM 615528.

Allele frequency attached by ClinVar (database versions not stated): ExAC 0.00009; gnomAD exomes 0.00010; TOPMed 0.00014; 1000 Genomes Project 30x 0.00031; 1000 Genomes Project 0.00040.
gnomAD v4.1: 76 of 1,614,036 alleles (0.0047%); highest among the groups gnomAD compares: East Asian, 0.11%; no homozygotes.

Submissions (2):

CeGaT Center for Human Genetics Tuebingen
Classification: Likely benign. Last evaluated: 2026-04-01. Review status: criteria provided, single submitter. Criteria: CeGaT Center For Human Genetics Tuebingen Variant Classification Criteria Version 2. Collection method: clinical testing. Allele origin: germline. Affected: yes. Observed: 1 variant allele.
Comment: DNAJC6: BP4, BP7

Labcorp Genetics (formerly Invitae), Labcorp
Classification: Likely benign for Juvenile onset Parkinson disease 19A. Last evaluated: 2025-12-17. Review status: criteria provided, single submitter. Criteria: Invitae Variant Classification Sherloc (09022015). Collection method: clinical testing. Allele origin: germline.